The following is an entry in ClinVar:

NM_001042492.3(NF1):c.686A>G (p.Asp229Gly)

Gene: NF1 (neurofibromin 1; plus strand). Cytogenetic location: 17q11.2.
Variant type: single nucleotide variant.
Coding change: c.686A>G on transcript NM_001042492.3 (MANE Select); coding-DNA position 686, A replaced by G.
Protein change: p.Asp229Gly; replaces aspartic acid 229 with glycine.
Molecular consequence: missense variant.
Genome position (GRCh38, 1-based): chr17:31,181,741, A>G. VCF-style: chr17-31181741-A-G. GRCh37 (hg19) VCF-style: chr17-29508759-A-G.
Other names: c.686A>G, p.Asp229Gly (NM_000267.4, NM_001128147.3); short protein forms D229G.
Identifiers: ClinVar variation 404474 (VCV000404474.12), dbSNP rs1060500285, ClinGen allele CA16615154.
Genomic context (GRCh38, chr17:31,181,741, plus strand): 5'-TGTAAAGACATGTGGTTCTTTATTTATAGGCATTTTGGAACTGGGTAGAAAATTATCCAG[A>G]TGAATTTACAAAACTGTACCAGATCCCACAGACTGATATGGCTGGTAAGGATACGATTGA-3'
Protein context (NP_001035957.1, residues 219-239): AFWNWVENYP[Asp229Gly]EFTKLYQIPQ

ClinVar aggregate classification (germline): Uncertain significance. Review status: criteria provided, multiple submitters, no conflicts (2 of 4 stars). 4 submissions from 4 submitters: Uncertain significance (4). Last evaluated 2024-10-30.

Conditions:
Hereditary cancer-predisposing syndrome. Also called: Tumor predisposition; Neoplastic Syndromes, Hereditary; Hereditary Cancer Syndrome; Hereditary neoplastic syndrome. Identifiers: Orphanet 140162, MedGen C0027672, MeSH D009386, MONDO:0015356.
Cardiovascular phenotype. Identifiers: MedGen CN230736.
Neurofibromatosis, type 1 (NF1). Also called: Neurofibromatosis, type I; NEUROFIBROMATOSIS, TYPE I, SOMATIC; Peripheral type neurofibromatosis; VON RECKLINGHAUSEN DISEASE. Identifiers: Orphanet 636, MedGen C0027831, MONDO:0018975, OMIM 162200. Disease mechanism: loss of function.

Allele frequency attached by ClinVar (database versions not stated): gnomAD exomes below 0.00001; TOPMed below 0.00001.
gnomAD v4.1: 1 of 1,609,914 alleles (0.000062%); highest among the groups gnomAD compares: Non-Finnish European, 0.000085%; no homozygotes.

Submissions (4):

Labcorp Genetics (formerly Invitae), Labcorp
Classification: Uncertain significance for Neurofibromatosis, type 1. Last evaluated: 2024-10-30. Review status: criteria provided, single submitter. Criteria: Invitae Variant Classification Sherloc (09022015). Collection method: clinical testing. Allele origin: germline.
Comment: This sequence change replaces aspartic acid, which is acidic and polar, with glycine, which is neutral and non-polar, at codon 229 of the NF1 protein (p.Asp229Gly). This variant is not present in population databases (gnomAD no frequency). This variant has not been reported in the literature in individuals affected with NF1-related conditions. ClinVar contains an entry for this variant (Variation ID: 404474). Invitae Evidence Modeling of protein sequence and biophysical properties (such as structural, functional, and spatial information, amino acid conservation, physicochemical variation, residue mobility, and thermodynamic stability) has been performed for this missense variant. However, the output from this modeling did not meet the statistical confidence thresholds required to predict the impact of this variant on NF1 protein function. In summary, the available evidence is currently insufficient to determine the role of this variant in disease. Therefore, it has been classified as a Variant of Uncertain Significance.

Genome-Nilou Lab
Classification: Uncertain significance for Neurofibromatosis, type 1. Last evaluated: 2022-03-15. Review status: criteria provided, single submitter. Criteria: ACMG Guidelines, 2015. Collection method: clinical testing. Allele origin: germline. Affected: no.

Ambry Genetics
Classification: Uncertain significance for Cardiovascular phenotype; Hereditary cancer-predisposing syndrome. Last evaluated: 2020-03-23. Review status: criteria provided, single submitter. Criteria: Ambry Variant Classification Scheme 2023. Collection method: clinical testing. Allele origin: germline.

GeneDx
Classification: Uncertain significance. Last evaluated: 2019-09-06. Review status: criteria provided, single submitter. Criteria: GeneDx Variant Classification Process June 2021. Collection method: clinical testing. Allele origin: germline. Affected: yes.
Comment: Not observed in large population cohorts (Lek 2016); In silico analysis, which includes protein predictors and evolutionary conservation, supports a deleterious effect; Has not been previously published as pathogenic or benign to our knowledge